The following is an entry in ClinVar:

NM_024334.3(TMEM43):c.426G>T (p.Glu142Asp)

Gene: TMEM43 (transmembrane protein 43; plus strand). Cytogenetic location: 3p25.1.
Variant type: single nucleotide variant.
Coding change: c.426G>T on transcript NM_024334.3 (MANE Select); coding-DNA position 426, G replaced by T.
Protein change: p.Glu142Asp; replaces glutamic acid 142 with aspartic acid.
Molecular consequence: missense variant.
Genome position (GRCh38, 1-based): chr3:14,132,579, G>T. VCF-style: chr3-14132579-G-T. GRCh37 (hg19) VCF-style: chr3-14174079-G-T.
Other names: c.426G>T, p.Glu142Asp (NM_001407274.1, NM_001407275.1, NM_001407276.1 and 2 more transcripts); c.411G>T, p.Glu137Asp (NM_001407278.1); c.276G>T, p.Glu92Asp (NM_001407280.1); short protein forms E142D, E137D, E92D.
Identifiers: ClinVar variation 4744477 (VCV004744477.1).

ClinVar aggregate classification (germline): Uncertain significance (1 of 4 stars; one submission).

Conditions:
Arrhythmogenic right ventricular dysplasia 5. Also called: Arrhythmogenic Right Ventricular Dysplasia/Cardiomyopathy 5; ARRHYTHMOGENIC RIGHT VENTRICULAR DYSPLASIA, FAMILIAL, 5. Identifiers: MedGen C1858379, MONDO:0011459, OMIM 604400.

Submission:

Labcorp Genetics (formerly Invitae), Labcorp
Classification: Uncertain significance for Arrhythmogenic right ventricular dysplasia 5. Last evaluated: 2025-08-31. Review status: criteria provided, single submitter. Criteria: Invitae Variant Classification Sherloc (09022015). Collection method: clinical testing. Allele origin: germline.
Comment: This sequence change replaces glutamic acid, which is acidic and polar, with aspartic acid, which is acidic and polar, at codon 142 of the TMEM43 protein (p.Glu142Asp). This variant is not present in population databases (gnomAD no frequency). This variant has not been reported in the literature in individuals affected with TMEM43-related conditions. Invitae Evidence Modeling of protein sequence and biophysical properties (such as structural, functional, and spatial information, amino acid conservation, physicochemical variation, residue mobility, and thermodynamic stability) indicates that this missense variant is not expected to disrupt TMEM43 protein function with a negative predictive value of 80%. In summary, the available evidence is currently insufficient to determine the role of this variant in disease. Therefore, it has been classified as a Variant of Uncertain Significance.